The following is an entry in ClinVar:

ClinVar aggregate classification (germline): Conflicting classifications of pathogenicity. Review status: criteria provided, conflicting classifications (1 of 4 stars). 2 submissions from 2 submitters: Likely pathogenic (1); Uncertain significance (1). Last evaluated 2025-11-24.

Conditions:
Mitochondrial disease. Also called: Mitochondrial disorders; Mitochondrial disorder. Identifiers: Orphanet 68380, MedGen C0751651, MeSH D028361, MONDO:0044970.

gnomAD v4.1: 1 of 1,614,098 alleles (0.000062%); highest among the groups gnomAD compares: Non-Finnish European, 0.000085%; no homozygotes.

Submissions (2):

Genomenon, Inc
Classification: Likely pathogenic for Mitochondrial disease. Last evaluated: 2025-11-24. Review status: criteria provided, single submitter. Criteria: Genomenon Sequence Variant Interpretation Standards - Updated. Collection method: curation. Allele origin: germline. Affected: yes.
Comment: TK2 p.Leu115Phe (c.343C>T) is a missense variant that changes the amino acid at residue 115 from Leucine to Phenylalanine. This variant has been observed in a proband affected with mitochondrial disease, in the compound heterozygous state, with a pathogenic or likely pathogenic variant confirmed in trans (29625556). This variant is not present at a significant frequency in gnomAD and in silico models agree that this variant is possibly or probably damaging. In conclusion, we classify TK2 p.Leu115Phe (c.343C>T) as a likely pathogenic variant.

Women's Health and Genetics/Laboratory Corporation of America, LabCorp
Classification: Uncertain significance. Last evaluated: 2024-11-27. Review status: criteria provided, single submitter. Criteria: LabCorp Variant Classification Summary - May 2015. Collection method: clinical testing. Allele origin: germline.
Comment: Variant summary: TK2 c.343C>T (p.Leu115Phe) results in a non-conservative amino acid change located in the Deoxynucleoside kinase domain (IPR031314) of the encoded protein sequence. Five of five in-silico tools predict a damaging effect of the variant on protein function. The variant was absent in 251058 control chromosomes. The available data on variant occurrences in the general population are insufficient to allow any conclusion about variant significance. c.343C>T has been reported in the literature in at least one compound heterozygous individual affected with mitochondrial disease (e.g. Plutino_2018). These data do not allow any conclusion about variant significance. To our knowledge, no experimental evidence demonstrating an impact on protein function has been reported. The following publication has been ascertained in the context of this evaluation (PMID: 29625556). No submitters have cited clinical-significance assessments for this variant to ClinVar. Based on the evidence outlined above, the variant was classified as uncertain significance.

Literature cited by the submitters: PubMed 29625556 (cited by Genomenon, Inc and Women's Health and Genetics/Laboratory Corporation of America, LabCorp).

NM_004614.5(TK2):c.343C>T (p.Leu115Phe)

Gene: TK2 (thymidine kinase 2; minus strand). Cytogenetic location: 16q21.
Variant type: single nucleotide variant.
Coding change: c.343C>T on transcript NM_004614.5 (MANE Select); coding-DNA position 343, C replaced by T.
Protein change: p.Leu115Phe; replaces leucine 115 with phenylalanine.
Molecular consequence: missense variant. On other transcripts: non-coding transcript variant (1).
Genome position (GRCh38, 1-based): chr16:66,531,412, G>A on the plus strand (C>T on the coding strand, the complement: TK2 is on the minus strand). VCF-style: chr16-66531412-G-A. GRCh37 (hg19) VCF-style: chr16-66565315-G-A.
Other names: c.250C>T, p.Leu84Phe (NM_001172643.1, NM_001271935.1); c.268C>T, p.Leu90Phe (NM_001172644.2); c.289C>T, p.Leu97Phe (NM_001172645.2); c.196C>T, p.Leu66Phe (NM_001271934.2); c.52C>T, p.Leu18Phe (NM_001272050.2); c.343C>T (NM_004614.4); short protein forms L115F, L18F, L66F, L84F, L90F, L97F.
Identifiers: ClinVar variation 3629505 (VCV003629505.4).